The following is an entry in ClinVar:

NM_001846.4(COL4A2):c.316-5C>G

Gene: COL4A2 (collagen type IV alpha 2 chain; plus strand). Cytogenetic location: 13q34.
Variant type: single nucleotide variant.
Coding change: c.316-5C>G on transcript NM_001846.4 (MANE Select); 5 bases into the intron before coding-DNA position 316, C replaced by G.
Molecular consequence: intron variant.
Genome position (GRCh38, 1-based): chr13:110,424,948, C>G. VCF-style: chr13-110424948-C-G. GRCh37 (hg19) VCF-style: chr13-111077295-C-G.
Other names: c.316-5C>G (NM_001846.3).
Identifiers: ClinVar variation 311098 (VCV000311098.7), dbSNP rs886049967, ClinGen allele CA10642828.
Genomic context (GRCh38, chr13:110,424,948, plus strand): 5'-TCCCCTGGCCTCATGAGGGTGGCGGGTATCTCAGCCTTGGTTAATTGCATTTGCTTTCTT[C>G]ATAGGGAGCAAGAGGCGTTTCTGGATTCCCTGGTGCCGATGGAATTCCTGTAAGTTTTAT-3'

ClinVar aggregate classification (germline): Uncertain significance. Review status: criteria provided, single submitter (1 of 4 stars). 2 submissions from 2 submitters: Uncertain significance (1). 1 of the submissions does not count toward it. Last evaluated 2018-01-13.

Conditions:
COL4A2-related disorder. Also called: COL4A2-related disorders; COL4A2-related condition.
Brain small vessel disease 2A, autosomal dominant. Also called: Porencephaly 2. Identifiers: Orphanet 2940, Orphanet 99810, MedGen C3280970, MONDO:0013773, OMIM 614483.

Allele frequency attached by ClinVar (database versions not stated): gnomAD exomes below 0.00001; TOPMed below 0.00001.
gnomAD v4.1: 3 of 1,614,208 alleles (0.00019%); highest among the groups gnomAD compares: Middle Eastern, 0.016%; no homozygotes.

Submissions (2):

Illumina Laboratory Services, Illumina
Classification: Uncertain significance for Brain small vessel disease 2A, autosomal dominant. Last evaluated: 2018-01-13. Review status: criteria provided, single submitter. Criteria: ICSL Variant Classification Criteria 13 December 2019. Collection method: clinical testing. Allele origin: germline.

PreventionGenetics, part of Exact Sciences
Classification: Likely benign for COL4A2-related condition. Last evaluated: 2019-10-17. Review status: no assertion criteria provided. Collection method: clinical testing. Allele origin: germline. Not counted in ClinVar's aggregate classification.
Comment: This variant is classified as likely benign based on ACMG/AMP sequence variant interpretation guidelines (Richards et al. 2015 PMID: 25741868, with internal and published modifications).